The following is an entry in ClinVar:

NM_001165963.4(SCN1A):c.4002+2206T>C

Genes: SCN1A (sodium voltage-gated channel alpha subunit 1; minus strand), LOC102724058 (uncharacterized LOC102724058; plus strand). Cytogenetic location: 2q24.3.
Variant type: single nucleotide variant.
Coding change: c.4002+2206T>C on transcript NM_001165963.4 (MANE Select); 2206 bases into the intron after coding-DNA position 4002, T replaced by C.
Molecular consequence: intron variant.
Genome position (GRCh38, 1-based): chr2:166,007,513, A>G on the plus strand (T>C on the coding strand, the complement: SCN1A is on the minus strand). VCF-style: chr2-166007513-A-G. GRCh37 (hg19) VCF-style: chr2-166864023-A-G.
Other names: c.3969+2206T>C (NM_001353949.2, NM_001353950.2, NM_001353951.2 and 2 more transcripts); c.3918+2206T>C (NM_001353958.2, NM_001353957.2, NM_001165964.3); c.4002+2206T>C (NM_001202435.3, NM_001353948.2); c.3966+2206T>C (NM_001353955.2, NM_001353954.2); c.3915+2206T>C (NM_001353960.2); c.1560+2206T>C (NM_001353961.2).
Identifiers: ClinVar variation 1634063 (VCV001634063.9), dbSNP rs927311502, ClinGen allele CA760220854.

ClinVar aggregate classification (germline): Uncertain significance (1 of 4 stars; one submission).

Conditions:
Early-infantile DEE. Also called: Early infantile epileptic encephalopathy; Early infantile epileptic encephalopathy with suppression bursts; Ohtahara syndrome. Identifiers: Orphanet 1934, MedGen C0393706, MONDO:0800491.

gnomAD v4.1: 2 of 151,378 alleles (0.0013%); highest among the groups gnomAD compares: Admixed American, 0.0066%; no homozygotes.

Submission:

Labcorp Genetics (formerly Invitae), Labcorp
Classification: Uncertain significance for Early-infantile DEE. Last evaluated: 2024-08-26. Review status: criteria provided, single submitter. Criteria: Invitae Variant Classification Sherloc (09022015). Collection method: clinical testing. Allele origin: germline.
Comment: This sequence change falls in intron 20 of the SCN1A gene. It does not directly change the encoded amino acid sequence of the SCN1A protein. However, this sequence change falls within a region encompassing a cryptic exon in the SCN1A gene, in which variants have been shown to alter splicing (PMID: 30526861, 34107977). This variant is not present in population databases (gnomAD no frequency). This variant has been observed in individuals with clinical features of developmental and epileptic encephalopathy (internal data). ClinVar contains an entry for this variant (Variation ID: 1634063). Algorithms developed to predict the effect of sequence changes on RNA splicing suggest that this variant is not likely to affect RNA splicing. In summary, the available evidence is currently insufficient to determine the role of this variant in disease. Therefore, it has been classified as a Variant of Uncertain Significance.

Literature cited by the submitters: PubMed 30526861; PubMed 34107977.